The following is an entry in ClinVar:

ClinVar aggregate classification (germline): Likely benign. Review status: criteria provided, single submitter (1 of 4 stars). 2 submissions from 2 submitters: Likely benign (1). 1 of the submissions does not count toward it. Last evaluated 2023-10-13.

Conditions:
BBS9-related disorder. Also called: BBS9-related condition.
Bardet-Biedl syndrome (BBS). Identifiers: Orphanet 110, MedGen C0752166, MONDO:0015229.

Allele frequency attached by ClinVar (database versions not stated): gnomAD exomes below 0.00001; gnomAD 0.00001; TOPMed 0.00001.
gnomAD v4.1: 4 of 1,613,806 alleles (0.00025%); highest among the groups gnomAD compares: African/African-American, 0.0027%; no homozygotes.

Submissions (2):

Labcorp Genetics (formerly Invitae), Labcorp
Classification: Likely benign for Bardet-Biedl syndrome. Last evaluated: 2023-10-13. Review status: criteria provided, single submitter. Criteria: Invitae Variant Classification Sherloc (09022015). Collection method: clinical testing. Allele origin: germline.

PreventionGenetics, part of Exact Sciences
Classification: Likely benign for BBS9-related condition. Last evaluated: 2024-02-12. Review status: no assertion criteria provided. Collection method: clinical testing. Allele origin: germline. Not counted in ClinVar's aggregate classification.
Comment: This variant is classified as likely benign based on ACMG/AMP sequence variant interpretation guidelines (Richards et al. 2015 PMID: 25741868, with internal and published modifications).

NM_198428.3(BBS9):c.222A>G (p.Leu74=)

Gene: BBS9 (Bardet-Biedl syndrome 9; plus strand). Cytogenetic location: 7p14.3.
Variant type: single nucleotide variant.
Coding change: c.222A>G on transcript NM_198428.3 (MANE Select); coding-DNA position 222, A replaced by G.
Protein change: p.Leu74=; no amino-acid change (leucine 74 retained).
Molecular consequence: synonymous variant. On other transcripts: 5 prime UTR variant (4), non-coding transcript variant (3), intron variant (2).
Genome position (GRCh38, 1-based): chr7:33,152,810, A>G. VCF-style: chr7-33152810-A-G. GRCh37 (hg19) VCF-style: chr7-33192422-A-G.
Other names: c.-80A>G (NM_001348045.3, NM_001348037.3); c.222A>G, p.Leu74= (NM_001362679.1, NM_001412127.2, NM_001412128.2 and 7 more transcripts); c.-39+22769A>G (NM_001348046.3, NM_001348044.3); c.222A>G (NM_198428.2); c.-56A>G (NM_001348038.3, NM_001348039.3); c.87A>G, p.Leu29= (NM_001348042.3).
Identifiers: ClinVar variation 2805074 (VCV002805074.5), dbSNP rs925968981, ClinGen allele CA156277530.